The following is an entry in ClinVar:

NM_021954.4(GJA3):c.*243G>A

Gene: GJA3 (gap junction protein alpha 3; minus strand). Cytogenetic location: 13q12.11.
Variant type: single nucleotide variant.
Coding change: c.*243G>A on transcript NM_021954.4 (MANE Select); 243 bases downstream of the stop codon, G replaced by A.
Molecular consequence: 3 prime UTR variant.
Genome position (GRCh38, 1-based): chr13:20,141,738, C>T on the plus strand (G>A on the coding strand, the complement: GJA3 is on the minus strand). VCF-style: chr13-20141738-C-T. GRCh37 (hg19) VCF-style: chr13-20715877-C-T.
Identifiers: ClinVar variation 311327 (VCV000311327.8), dbSNP rs4769953, ClinGen allele CA10633954.
Genomic context (GRCh38, chr13:20,141,738, plus strand): 5'-AGAGACAGCCCTCAGCGACCAGATTTCTGGGCTGCTGTGAAGATCTTAAAGGCCCACAAC[C>T]CTTGTCCCCGCCACCCCCAAACTCAGAAAGTGGGAGTTATCCCCACTGTAACTCACAGTG-3'

ClinVar aggregate classification (germline): Benign. Review status: criteria provided, multiple submitters, no conflicts (2 of 4 stars). 3 submissions from 3 submitters: Benign (3). Last evaluated 2018-07-21.

Conditions:
Cataract 14 multiple types. Also called: CATARACT 14, ZONULAR PULVERULENT; CATARACT 14, NUCLEAR PULVERULENT; CATARACT 14, NUCLEAR PULVERULENT AND POSTERIOR POLAR; CATARACT 14, NUCLEAR CORALLIFORM; CATARACT 14, EMBRYONAL NUCLEAR; CATARACT 14, COPPOCK-LIKE. Identifiers: Orphanet 91492, MedGen C1866078, MONDO:0011162, OMIM 601885.

Allele frequency attached by ClinVar (database versions not stated): gnomAD 0.19575 and 0.18639; TOPMed 0.19930; 1000 Genomes Project 0.24101; 1000 Genomes Project 30x 0.23454; gnomAD exomes 0.24503.

Submissions (3):

GeneDx
Classification: Benign. Last evaluated: 2018-07-21. Review status: criteria provided, single submitter. Criteria: GeneDx Variant Classification Process June 2021. Collection method: clinical testing. Allele origin: germline. Affected: yes.

Illumina Laboratory Services, Illumina
Classification: Benign for Cataract 14 multiple types. Last evaluated: 2018-01-13. Review status: criteria provided, single submitter. Criteria: ICSL Variant Classification Criteria 13 December 2019. Collection method: clinical testing. Allele origin: germline.
Comment: This variant was observed in the ICSL laboratory as part of a predisposition screen in an ostensibly healthy population. It had not been previously curated by ICSL or reported in the Human Gene Mutation Database (HGMD: prior to June 1st, 2018), and was therefore a candidate for classification through an automated scoring system. Utilizing variant allele frequency, disease prevalence and penetrance estimates, and inheritance mode, an automated score was calculated to assess if this variant is too frequent to cause the disease. Based on the score and internal cut-off values, a variant classified as benign is not then subjected to further curation. The score for this variant resulted in a classification of benign for this disease.

Breakthrough Genomics
Classification: Benign. Review status: criteria provided, single submitter. Criteria: ACMG Guidelines, 2015. Collection method: not provided. Allele origin: germline. Inheritance: Autosomal dominant inheritance. Affected: yes.